The following is an entry in ClinVar:

NM_000090.4(COL3A1):c.723G>T (p.Glu241Asp)

Gene: COL3A1 (collagen type III alpha 1 chain; plus strand). Cytogenetic location: 2q32.2.
Variant type: single nucleotide variant.
Coding change: c.723G>T on transcript NM_000090.4 (MANE Select); coding-DNA position 723, G replaced by T.
Protein change: p.Glu241Asp; replaces glutamic acid 241 with aspartic acid.
Molecular consequence: missense variant.
Genome position (GRCh38, 1-based): chr2:188,990,128, G>T. VCF-style: chr2-188990128-G-T. GRCh37 (hg19) VCF-style: chr2-189854854-G-T.
Other names: short protein forms E241D.
Identifiers: ClinVar variation 3074085 (VCV003074085.1), dbSNP rs2469118076, ClinGen allele CA349849027.
Genomic context (GRCh38, chr2:188,990,128, plus strand): 5'-CCTACGTATTCTTTATTTCTCTACCTAGGGAGAATCAGGTAGACCCGGACGACCTGGAGA[G>T]CGAGGATTGCCTGGACCTCCAGTGAGTCTTCAGCATCTAATAAATTAATTGGAATAATCT-3'
Protein context (NP_000081.2, residues 231-251): GESGRPGRPG[Glu241Asp]RGLPGPPGIK

ClinVar aggregate classification (germline): Uncertain significance (1 of 4 stars; one submission).

Conditions:
Ehlers-Danlos syndrome, type 4 (EDSVASC). Also called: Ehlers-Danlos Syndrome Type IV; Ehlers-Danlos syndrome vascular type; Ehlers Danlos syndrome, ecchymotic type; Ehlers Danlos syndrome, arterial type; Ehlers Danlos syndrome, Sack-Barabas type. Identifiers: Orphanet 286, MedGen C0268338, MONDO:0017314, OMIM 130050.

Submission:

All of Us Research Program, National Institutes of Health
Classification: Uncertain significance for Ehlers-Danlos syndrome, type 4. Last evaluated: 2023-10-23. Review status: criteria provided, single submitter. Criteria: ACMG Guidelines, 2015. Collection method: clinical testing. Allele origin: germline. Inheritance: Autosomal dominant inheritance. Observed: 1 variant allele, 1 heterozygote.
Comment: This missense variant replaces glutamic acid with aspartic acid at codon 241 of the COL3A1 protein. Computational prediction suggests that this variant may not impact protein structure and function (internally defined REVEL score threshold <= 0.5, PMID: 27666373). To our knowledge, functional studies have not been reported for this variant. This variant has not been reported in individuals affected with COL3A1-related disorders in the literature. This variant has not been identified in the general population by the Genome Aggregation Database (gnomAD). The available evidence is insufficient to determine the role of this variant in disease conclusively. Therefore, this variant is classified as a Variant of Uncertain Significance.

This study involves interpretation of variants in research participants for the purpose of population health screening. Participant phenotype was not available at the time of variant classification. Additional details can be found in publication PMID: 35346344, PMCID: PMC8962531